The following is an entry in ClinVar:

NM_003384.3(VRK1):c.536A>G (p.Lys179Arg)

Gene: VRK1 (VRK serine/threonine kinase 1; plus strand). Cytogenetic location: 14q32.2.
Variant type: single nucleotide variant.
Coding change: c.536A>G on transcript NM_003384.3 (MANE Select); coding-DNA position 536, A replaced by G.
Protein change: p.Lys179Arg; replaces lysine 179 with arginine.
Molecular consequence: missense variant.
Genome position (GRCh38, 1-based): chr14:96,853,126, A>G. VCF-style: chr14-96853126-A-G. GRCh37 (hg19) VCF-style: chr14-97319463-A-G.
Other names: short protein forms K179R.
Identifiers: ClinVar variation 571703 (VCV000571703.10), dbSNP rs1566708080, ClinGen allele CA390930588.
Genomic context (GRCh38, chr14:96,853,126, plus strand): 5'-TTTCATAGCTGGATATTCTGGAATATATTCACGAGCATGAGTATGTGCATGGAGATATCA[A>G]GGCCTCAAATCTTCTTCTGAACTACAAGAATCCTGACCAGGTAGTTTTATAACTTTAATT-3'
Protein context (NP_003375.1, residues 169-189): HEHEYVHGDI[Lys179Arg]ASNLLLNYKN

ClinVar aggregate classification (germline): Uncertain significance (1 of 4 stars; one submission).

Conditions:
Pontocerebellar hypoplasia type 1A (PCH1A). Also called: PONTOCEREBELLAR HYPOPLASIA WITH ANTERIOR HORN CELL DISEASE; PONTOCEREBELLAR HYPOPLASIA WITH INFANTILE SPINAL MUSCULAR ATROPHY. Identifiers: Orphanet 2254, Orphanet 88616, MedGen C1843504, MONDO:0011866, OMIM 607596.

Allele frequency attached by ClinVar (database versions not stated): gnomAD exomes below 0.00001.
gnomAD v4.1: 2 of 1,613,852 alleles (0.00012%); highest among the groups gnomAD compares: East Asian, 0.0022%; no homozygotes.

Submission:

Labcorp Genetics (formerly Invitae), Labcorp
Classification: Uncertain significance for Pontocerebellar hypoplasia type 1A. Last evaluated: 2018-01-29. Review status: criteria provided, single submitter. Criteria: Invitae Variant Classification Sherloc (09022015). Collection method: clinical testing. Allele origin: germline.
Comment: This variant has not been reported in the literature in individuals with VRK1-related disease. This variant is not present in population databases (ExAC no frequency). This sequence change replaces lysine with arginine at codon 179 of the VRK1 protein (p.Lys179Arg). The lysine residue is highly conserved and there is a small physicochemical difference between lysine and arginine. In summary, the available evidence is currently insufficient to determine the role of this variant in disease. Therefore, it has been classified as a Variant of Uncertain Significance. Algorithms developed to predict the effect of missense changes on protein structure and function do not agree on the potential impact of this missense change (SIFT: "Deleterious"; PolyPhen-2: "Probably Damaging"; Align-GVGD: "Class C0").